The following is an entry in ClinVar:

ClinVar aggregate classification (germline): Uncertain significance (1 of 4 stars; one submission).

Conditions:
Marfan syndrome (MFS). Also called: MARFAN SYNDROME, TYPE I; Marfan syndrome type 1; Marfan's syndrome; Marfan syndrome, classic; FBN1-Related Marfan Syndrome. Identifiers: Orphanet 284963, Orphanet 558, MedGen C0024796, MONDO:0007947, OMIM 154700.
Familial thoracic aortic aneurysm and aortic dissection (TAAD). Also called: Thoracic aortic aneurysms and dissections. Identifiers: Orphanet 91387, MedGen C4707243, MONDO:0019625.

Submission:

Labcorp Genetics (formerly Invitae), Labcorp
Classification: Uncertain significance for Marfan syndrome; Familial thoracic aortic aneurysm and aortic dissection. Last evaluated: 2025-10-17. Review status: criteria provided, single submitter. Criteria: Invitae Variant Classification Sherloc (09022015). Collection method: clinical testing. Allele origin: germline.
Comment: This sequence change replaces glycine, which is neutral and non-polar, with glutamic acid, which is acidic and polar, at codon 795 of the FBN1 protein (p.Gly795Glu). This variant is not present in population databases (gnomAD no frequency). This variant has not been reported in the literature in individuals affected with FBN1-related conditions. ClinVar contains an entry for this variant (Variation ID: 2924726). Invitae Evidence Modeling of protein sequence and biophysical properties (such as structural, functional, and spatial information, amino acid conservation, physicochemical variation, residue mobility, and thermodynamic stability) indicates that this missense variant is expected to disrupt FBN1 protein function with a positive predictive value of 95%. In summary, the available evidence is currently insufficient to determine the role of this variant in disease. Therefore, it has been classified as a Variant of Uncertain Significance.

NM_000138.5(FBN1):c.2384G>A (p.Gly795Glu)

Gene: FBN1 (fibrillin 1; minus strand). Cytogenetic location: 15q21.1.
Variant type: single nucleotide variant.
Coding change: c.2384G>A on transcript NM_000138.5 (MANE Select); coding-DNA position 2384, G replaced by A.
Protein change: p.Gly795Glu; replaces glycine 795 with glutamic acid.
Molecular consequence: missense variant.
Genome position (GRCh38, 1-based): chr15:48,496,135, C>T on the plus strand (G>A on the coding strand, the complement: FBN1 is on the minus strand). VCF-style: chr15-48496135-C-T. GRCh37 (hg19) VCF-style: chr15-48788332-C-T.
Other names: c.2384G>A, p.Gly795Glu (NM_001406716.1); short protein forms G795E.
Identifiers: ClinVar variation 2924726 (VCV002924726.3), dbSNP rs1555399267, ClinGen allele CA392335326.